The following is an entry in ClinVar:

ClinVar aggregate classification (germline): Likely pathogenic (1 of 4 stars; one submission).

Submission:

Labcorp Genetics (formerly Invitae), Labcorp
Classification: Likely pathogenic. Last evaluated: 2022-08-15. Review status: criteria provided, single submitter. Criteria: Invitae Variant Classification Sherloc (09022015). Collection method: clinical testing. Allele origin: germline.
Comment: This sequence change replaces arginine, which is basic and polar, with glycine, which is neutral and non-polar, at codon 1957 of the COL7A1 protein (p.Arg1957Gly). This variant is not present in population databases (gnomAD no frequency). This variant has not been reported in the literature in individuals affected with COL7A1-related conditions. Advanced modeling of protein sequence and biophysical properties (such as structural, functional, and spatial information, amino acid conservation, physicochemical variation, residue mobility, and thermodynamic stability) performed at Invitae indicates that this missense variant is expected to disrupt COL7A1 protein function. This variant disrupts the p.Arg1957 amino acid residue in COL7A1. Other variant(s) that disrupt this residue have been determined to be pathogenic (PMID: 16189623). This suggests that this residue is clinically significant, and that variants that disrupt this residue are likely to be disease-causing. In summary, the currently available evidence indicates that the variant is pathogenic, but additional data are needed to prove that conclusively. Therefore, this variant has been classified as Likely Pathogenic.

Literature cited by the submitters: PubMed 16189623.

NM_000094.4(COL7A1):c.5869C>G (p.Arg1957Gly)

Gene: COL7A1 (collagen type VII alpha 1 chain; minus strand). Cytogenetic location: 3p21.31.
Variant type: single nucleotide variant.
Coding change: c.5869C>G on transcript NM_000094.4 (MANE Select); coding-DNA position 5869, C replaced by G.
Protein change: p.Arg1957Gly; replaces arginine 1957 with glycine.
Molecular consequence: missense variant.
Genome position (GRCh38, 1-based): chr3:48,575,736, G>C on the plus strand (C>G on the coding strand, the complement: COL7A1 is on the minus strand). VCF-style: chr3-48575736-G-C. GRCh37 (hg19) VCF-style: chr3-48613169-G-C.
Other names: short protein forms R1957G.
Identifiers: ClinVar variation 2117479 (VCV002117479.4), dbSNP rs747081862, ClinGen allele CA352665484.